The following is an entry in ClinVar:

ClinVar aggregate classification (germline): Likely pathogenic (1 of 4 stars; one submission).

Conditions:
Autosomal recessive limb-girdle muscular dystrophy type 2A (LGMDR1). Also called: Calpainopathy; Muscular dystrophy, limb-girdle, type 2A, Amish; LEYDEN-MOEBIUS MUSCULAR DYSTROPHY; MUSCULAR DYSTROPHY, PELVOFEMORAL; Limb-girdle muscular dystrophy, type 2A. Identifiers: Orphanet 267, MedGen C1869123, MONDO:0009675, OMIM 253600. Disease mechanism: loss of function.

Allele frequency attached by ClinVar (database versions not stated): TOPMed below 0.00001.

Submission:

Labcorp Genetics (formerly Invitae), Labcorp
Classification: Likely pathogenic for Autosomal recessive limb-girdle muscular dystrophy type 2A. Last evaluated: 2021-12-01. Review status: criteria provided, single submitter. Criteria: Invitae Variant Classification Sherloc (09022015). Collection method: clinical testing. Allele origin: germline.
Comment: This sequence change replaces methionine, which is neutral and non-polar, with valine, which is neutral and non-polar, at codon 252 of the CAPN3 protein (p.Met252Val). This variant is not present in population databases (gnomAD no frequency). This variant has not been reported in the literature in individuals affected with CAPN3-related conditions. Advanced modeling of protein sequence and biophysical properties (such as structural, functional, and spatial information, amino acid conservation, physicochemical variation, residue mobility, and thermodynamic stability) performed at Invitae indicates that this missense variant is expected to disrupt CAPN3 protein function. This variant disrupts the p.Met252 amino acid residue in CAPN3. Other variant(s) that disrupt this residue have been determined to be pathogenic (PMID: 18854869; Invitae). This suggests that this residue is clinically significant, and that variants that disrupt this residue are likely to be disease-causing. In summary, the currently available evidence indicates that the variant is pathogenic, but additional data are needed to prove that conclusively. Therefore, this variant has been classified as Likely Pathogenic.

Literature cited by the submitters: PubMed 18854869.

NM_000070.3(CAPN3):c.754A>G (p.Met252Val)

Gene: CAPN3 (calpain 3; plus strand). Cytogenetic location: 15q15.1.
Variant type: single nucleotide variant.
Coding change: c.754A>G on transcript NM_000070.3 (MANE Select); coding-DNA position 754, A replaced by G.
Protein change: p.Met252Val; replaces methionine 252 with valine.
Molecular consequence: missense variant.
Genome position (GRCh38, 1-based): chr15:42,389,049, A>G. VCF-style: chr15-42389049-A-G. GRCh37 (hg19) VCF-style: chr15-42681247-A-G.
Other names: c.754A>G, p.Met252Val (NM_024344.2, NM_173087.2); short protein forms M252V.
Identifiers: ClinVar variation 1507710 (VCV001507710.5), dbSNP rs2053483911, ClinGen allele CA391998310.